The following is an entry in ClinVar:

ClinVar aggregate classification (germline): Uncertain significance (1 of 4 stars; one submission).

Conditions:
MEFV-related disorder. Also called: MEFV-related disorders; MEFV-related condition.

gnomAD v4.1: 3 of 1,611,752 alleles (0.00019%); highest among the groups gnomAD compares: Non-Finnish European, 0.00025%; no homozygotes.

Submission:

PreventionGenetics, part of Exact Sciences
Classification: Uncertain significance for MEFV-related condition. Last evaluated: 2025-01-06. Review status: criteria provided, single submitter. Criteria: ACMG Guidelines, 2015. Collection method: clinical testing. Allele origin: germline.
Comment: The MEFV c.637C>G variant is predicted to result in the amino acid substitution p.Leu213Val. To our knowledge, this variant has not been reported in the literature. This variant is reported in 0.00093% of alleles in individuals of European (Non-Finnish) descent in gnomAD. At this time, the clinical significance of this variant is uncertain due to the absence of conclusive functional and genetic evidence.

NM_000243.3(MEFV):c.637C>G (p.Leu213Val)

Gene: MEFV (MEFV innate immunity regulator, pyrin; minus strand). Cytogenetic location: 16p13.3.
Variant type: single nucleotide variant.
Coding change: c.637C>G on transcript NM_000243.3 (MANE Select); coding-DNA position 637, C replaced by G.
Protein change: p.Leu213Val; replaces leucine 213 with valine.
Molecular consequence: missense variant. On other transcripts: intron variant (1).
Genome position (GRCh38, 1-based): chr16:3,254,431, G>C on the plus strand (C>G on the coding strand, the complement: MEFV is on the minus strand). VCF-style: chr16-3254431-G-C. GRCh37 (hg19) VCF-style: chr16-3304431-G-C.
Other names: c.277+1880C>G (NM_001198536.2); short protein forms L213V.
Identifiers: ClinVar variation 4990108 (VCV004990108.1).